The following is an entry in ClinVar:

NM_001130004.2(ACTN1):c.2660C>A (p.Ala887Asp)

Gene: ACTN1 (actinin alpha 1; minus strand). Cytogenetic location: 14q24.1.
Variant type: single nucleotide variant.
Coding change: c.2660C>A on transcript NM_001130004.2 (MANE Select); coding-DNA position 2660, C replaced by A.
Protein change: p.Ala887Asp; replaces alanine 887 with aspartic acid.
Molecular consequence: missense variant.
Genome position (GRCh38, 1-based): chr14:68,874,944, G>T on the plus strand (C>A on the coding strand, the complement: ACTN1 is on the minus strand). VCF-style: chr14-68874944-G-T. GRCh37 (hg19) VCF-style: chr14-69341661-G-T.
Other names: c.2594C>A, p.Ala865Asp (NM_001102.4); c.2579C>A, p.Ala860Asp (NM_001130005.2); c.2603C>A, p.Ala868Asp (NM_001411035.1); c.2399C>A, p.Ala800Asp (NM_001411036.1); short protein forms A800D, A865D, A860D, A868D, A887D.
Identifiers: ClinVar variation 2003597 (VCV002003597.4), dbSNP rs769389947, ClinGen allele CA7241885.

ClinVar aggregate classification (germline): Uncertain significance (1 of 4 stars; one submission).

gnomAD v4.1: 2 of 1,613,376 alleles (0.00012%); highest among the groups gnomAD compares: Admixed American, 0.0033%; no homozygotes.

Submission:

Labcorp Genetics (formerly Invitae), Labcorp
Classification: Uncertain significance. Last evaluated: 2022-11-08. Review status: criteria provided, single submitter. Criteria: Invitae Variant Classification Sherloc (09022015). Collection method: clinical testing. Allele origin: germline.
Comment: In summary, the available evidence is currently insufficient to determine the role of this variant in disease. Therefore, it has been classified as a Variant of Uncertain Significance. Algorithms developed to predict the effect of missense changes on protein structure and function are either unavailable or do not agree on the potential impact of this missense change (SIFT: "Deleterious"; PolyPhen-2: "Possibly Damaging"; Align-GVGD: "Class C0"). This variant has not been reported in the literature in individuals affected with ACTN1-related conditions. This variant is present in population databases (rs769389947, gnomAD 0.006%). This sequence change replaces alanine, which is neutral and non-polar, with aspartic acid, which is acidic and polar, at codon 887 of the ACTN1 protein (p.Ala887Asp).